The following is an entry in ClinVar:

ClinVar aggregate classification (germline): Uncertain significance (1 of 4 stars; one submission).

Conditions:
Hypophosphatasia. Also called: Phosphoethanol-aminuria. Identifiers: Orphanet 436, MedGen C0020630, MeSH D007014, MONDO:0018570.

gnomAD v4.1: 1 of 1,613,572 alleles (0.000062%); highest among the groups gnomAD compares: Non-Finnish European, 0.000085%; no homozygotes.

Submission:

Genomenon, Inc
Classification: Uncertain significance for Hypophosphatasia. Last evaluated: 2025-08-29. Review status: criteria provided, single submitter. Criteria: Genomenon Sequence Variant Interpretation Standards. Collection method: curation. Allele origin: germline. Affected: yes.
Comment: ALPL c.862+5G>A is a splice variant located in the donor splice region of intron 8. This variant has been observed in a proband affected with hypophosphatasia (PMID:10094560). It is absent or not present at a significant frequency in gnomAD. In silico models agree that this variant is possibly or probably damaging. In conclusion, we classify ALPL c.862+5G>A as a variant of unknown significance.

Literature cited by the submitters: PubMed 10094560.

NM_000478.6(ALPL):c.862+5G>A

Gene: ALPL (alkaline phosphatase, biomineralization associated; plus strand). Cytogenetic location: 1p36.12.
Variant type: single nucleotide variant.
Coding change: c.862+5G>A on transcript NM_000478.6 (MANE Select); 5 bases into the intron after coding-DNA position 862, G replaced by A.
Molecular consequence: intron variant.
Genome position (GRCh38, 1-based): chr1:21,570,379, G>A. VCF-style: chr1-21570379-G-A. GRCh37 (hg19) VCF-style: chr1-21896872-G-A.
Other names: c.862+5G>A (NM_001369805.2, NM_001369804.2, NM_001369803.2); c.697+5G>A (NM_001127501.4); c.631+5G>A (NM_001177520.3).
Identifiers: ClinVar variation 4086836 (VCV004086836.1).